The following is an entry in ClinVar:

ClinVar aggregate classification (germline): Uncertain significance. Review status: criteria provided, multiple submitters, no conflicts (2 of 4 stars). 2 submissions from 2 submitters: Uncertain significance (2). Last evaluated 2026-02-02.

Conditions:
Cardiovascular phenotype. Identifiers: MedGen CN230736.

Allele frequency attached by ClinVar (database versions not stated): gnomAD 0.00003.
gnomAD v4.1: 6 of 1,613,322 alleles (0.00037%); highest among the groups gnomAD compares: African/African-American, 0.008%; no homozygotes.

Submissions (2):

GeneDx
Classification: Uncertain significance. Last evaluated: 2026-02-02. Review status: criteria provided, single submitter. Criteria: GeneDx Variant Classification Process June 2021. Collection method: clinical testing. Allele origin: germline.
Comment: Not observed at significant frequency in large population cohorts (gnomAD); Missense variant in a gene in which most reported pathogenic variants are truncating/loss of function; Has not been previously published as pathogenic or benign to our knowledge

Ambry Genetics
Classification: Uncertain significance for Cardiovascular phenotype. Last evaluated: 2019-10-31. Review status: criteria provided, single submitter. Criteria: Ambry Variant Classification Scheme 2023. Collection method: clinical testing. Allele origin: germline.
Comment: The p.E15833K variant (also known as c.47497G>A), located in coding exon 153 of the TTN gene, results from a G to A substitution at nucleotide position 47497. The glutamic acid at codon 15833 is replaced by lysine, an amino acid with similar properties. This amino acid position is well conserved in available vertebrate species. In addition, this alteration is predicted to be tolerated by in silico analysis. Since supporting evidence is limited at this time, the clinical significance of this alteration remains unclear.

NM_001267550.2(TTN):c.74692G>A (p.Glu24898Lys)

Genes: TTN (titin; minus strand), TTN-AS1 (TTN antisense RNA 1; plus strand). Cytogenetic location: 2q31.2.
Variant type: single nucleotide variant.
Coding change: c.74692G>A on transcript NM_001267550.2 (MANE Select); coding-DNA position 74692, G replaced by A.
Protein change: p.Glu24898Lys; replaces glutamic acid 24898 with lysine.
Molecular consequence: missense variant. On other transcripts: non-coding transcript variant (1).
Genome position (GRCh38, 1-based): chr2:178,571,440, C>T on the plus strand (G>A on the coding strand, the complement: TTN is on the minus strand). VCF-style: chr2-178571440-C-T. GRCh37 (hg19) VCF-style: chr2-179436167-C-T.
Other names: c.69769G>A, p.Glu23257Lys (NM_001256850.1); c.47497G>A, p.Glu15833Lys (NM_003319.4); c.66988G>A, p.Glu22330Lys (NM_133378.4); c.47872G>A, p.Glu15958Lys (NM_133432.3); c.48073G>A, p.Glu16025Lys (NM_133437.4); short protein forms E15958K, E24898K, E16025K, E23257K, E15833K, E22330K.
Identifiers: ClinVar variation 1742809 (VCV001742809.3), dbSNP rs751312481, ClinGen allele CA60996983.